The following is an entry in ClinVar:

ClinVar aggregate classification (germline): Uncertain significance. Review status: criteria provided, multiple submitters, no conflicts (2 of 4 stars). 2 submissions from 2 submitters: Uncertain significance (2). Last evaluated 2025-09-01.

Conditions:
Inborn genetic diseases. Identifiers: MedGen C0950123, MeSH D030342.

Allele frequency attached by ClinVar (database versions not stated): gnomAD 0.00001; gnomAD exomes 0.00002; ExAC 0.00006.
gnomAD v4.1: 28 of 1,613,912 alleles (0.0017%); highest among the groups gnomAD compares: Admixed American, 0.0017%; no homozygotes.

Submissions (2):

Ambry Genetics
Classification: Uncertain significance for Inborn genetic diseases. Last evaluated: 2025-09-01. Review status: criteria provided, single submitter. Criteria: Ambry Variant Classification Scheme 2023. Collection method: clinical testing. Allele origin: germline.

Labcorp Genetics (formerly Invitae), Labcorp
Classification: Uncertain significance. Last evaluated: 2022-06-26. Review status: criteria provided, single submitter. Criteria: Invitae Variant Classification Sherloc (09022015). Collection method: clinical testing. Allele origin: germline.
Comment: This sequence change replaces proline, which is neutral and non-polar, with serine, which is neutral and polar, at codon 221 of the C8B protein (p.Pro221Ser). This variant is present in population databases (rs772860929, gnomAD 0.01%). This variant has not been reported in the literature in individuals affected with C8B-related conditions. Algorithms developed to predict the effect of missense changes on protein structure and function are either unavailable or do not agree on the potential impact of this missense change (SIFT: "Deleterious"; PolyPhen-2: "Possibly Damaging"; Align-GVGD: "Class C0"). In summary, the available evidence is currently insufficient to determine the role of this variant in disease. Therefore, it has been classified as a Variant of Uncertain Significance.

NM_000066.4(C8B):c.661C>T (p.Pro221Ser)

Gene: C8B (complement C8 beta chain; minus strand). Cytogenetic location: 1p32.2.
Variant type: single nucleotide variant.
Coding change: c.661C>T on transcript NM_000066.4 (MANE Select); coding-DNA position 661, C replaced by T.
Protein change: p.Pro221Ser; replaces proline 221 with serine.
Molecular consequence: missense variant.
Genome position (GRCh38, 1-based): chr1:56,952,053, G>A on the plus strand (C>T on the coding strand, the complement: C8B is on the minus strand). VCF-style: chr1-56952053-G-A. GRCh37 (hg19) VCF-style: chr1-57417726-G-A.
Other names: c.505C>T, p.Pro169Ser (NM_001278543.2); c.475C>T, p.Pro159Ser (NM_001278544.2); short protein forms P221S, P169S, P159S.
Identifiers: ClinVar variation 1916581 (VCV001916581.3), dbSNP rs772860929, ClinGen allele CA875905.
Genomic context (GRCh38, chr1:56,952,053, plus strand): 5'-TGCTAACTGGGTGCTCAGCTGGGGCTCCCTCCACTGCTACCTGGCTGTCTCTTACCTGTG[G>A]CGTGTAGCTTTCCACATTGTAGGGCTTCCTAAACCTCGTGTTCAGGATGTAATGCGGGGA-3'
Protein context (NP_000057.3, residues 211-231): RKPYNVESYT[Pro221Ser]QTQGKYEFIL